The following is an entry in ClinVar:

NM_004360.5(CDH1):c.32TGC[2] (p.Leu13_Leu15del)

Gene: CDH1 (cadherin 1; plus strand). Cytogenetic location: 16q22.1.
Variant type: Microsatellite.
Coding change: c.32TGC[2] on transcript NM_004360.5 (MANE Select); two copies in a row of the 3-base unit TGC starting at c.32; the reference has five copies in a row; three copies, 9 bases deleted.
Protein change: p.Leu13_Leu15del.
Molecular consequence: inframe deletion. On other transcripts: 5 prime UTR variant (2).
Genome position (GRCh38, 1-based): chr16:68,737,453-68,737,461, TGCTGCTGC deleted; deleting any 9 consecutive bases within chr16:68,737,445-68,737,461 gives the same sequence; the position shown is the placement nearest the transcript's 3' end. VCF-style (leftmost placement, unchanged base first): chr16-68737444-CGCTGCTGCT-C. GRCh37 (hg19) VCF-style: chr16-68771347-CGCTGCTGCT-C.
Other names: c.32TGC[2], p.Leu13_Leu15del (NM_001317184.2); c.-1584TGC[2] (NM_001317185.2); c.-1788TGC[2] (NM_001317186.2).
Identifiers: ClinVar variation 628358 (VCV000628358.6), dbSNP rs587782476, ClinGen allele CA913188712.

ClinVar aggregate classification (germline): Uncertain significance. Review status: criteria provided, multiple submitters, no conflicts (2 of 4 stars). 2 submissions from 2 submitters: Uncertain significance (2). Last evaluated 2023-05-10.

Conditions:
Hereditary diffuse gastric adenocarcinoma (HDGC). Also called: DIFFUSE GASTRIC AND LOBULAR BREAST CANCER SYNDROME. Identifiers: Orphanet 26106, MedGen C1708349, MONDO:0007648, OMIM 137215.
Hereditary cancer-predisposing syndrome. Also called: Tumor predisposition; Neoplastic Syndromes, Hereditary; Hereditary Cancer Syndrome; Hereditary neoplastic syndrome. Identifiers: Orphanet 140162, MedGen C0027672, MeSH D009386, MONDO:0015356.

Submissions (2):

Labcorp Genetics (formerly Invitae), Labcorp
Classification: Uncertain significance for Hereditary diffuse gastric adenocarcinoma. Last evaluated: 2023-05-10. Review status: criteria provided, single submitter. Criteria: Invitae Variant Classification Sherloc (09022015). Collection method: clinical testing. Allele origin: germline.
Comment: Algorithms developed to predict the effect of variants on protein structure and function are not available or were not evaluated for this variant. This variant, c.38_46del, results in the deletion of 3 amino acid(s) of the CDH1 protein (p.Leu13_Leu15del), but otherwise preserves the integrity of the reading frame. This variant is not present in population databases (gnomAD no frequency). This variant has been observed in individual(s) with hereditary diffuse gastric cancer (PMID: 30068367). Studies have shown that this variant alters CDH1 gene expression (PMID: 30068367). In summary, the available evidence is currently insufficient to determine the role of this variant in disease. Therefore, it has been classified as a Variant of Uncertain Significance.

Color Diagnostics, LLC DBA Color Health
Classification: Uncertain significance for Hereditary cancer-predisposing syndrome. Last evaluated: 2018-11-13. Review status: criteria provided, single submitter. Criteria: ACMG Guidelines, 2015. Collection method: clinical testing. Allele origin: germline.

Literature cited by the submitters: PubMed 30068367 (cited by Labcorp Genetics (formerly Invitae), Labcorp).